The following is an entry in ClinVar:

NM_021098.3(CACNA1H):c.697G>C (p.Val233Leu)

Gene: CACNA1H (calcium voltage-gated channel subunit alpha1 H; plus strand). Cytogenetic location: 16p13.3.
Variant type: single nucleotide variant.
Coding change: c.697G>C on transcript NM_021098.3 (MANE Select); coding-DNA position 697, G replaced by C.
Protein change: p.Val233Leu; replaces valine 233 with leucine.
Molecular consequence: missense variant.
Genome position (GRCh38, 1-based): chr16:1,198,668, G>C. VCF-style: chr16-1198668-G-C. GRCh37 (hg19) VCF-style: chr16-1248668-G-C.
Other names: c.697G>C, p.Val233Leu (NM_001005407.2); short protein forms V233L.
Identifiers: ClinVar variation 453072 (VCV000453072.3), dbSNP rs1555510028, ClinGen allele CA394154921.

ClinVar aggregate classification (germline): Likely pathogenic (1 of 4 stars; one submission).

Submission:

GeneDx
Classification: Likely pathogenic. Last evaluated: 2020-08-11. Review status: criteria provided, single submitter. Criteria: GeneDx Variant Classification Process June 2021. Collection method: clinical testing. Allele origin: germline. Affected: yes.
Comment: Not observed in large population cohorts (Lek et al., 2016); In silico analysis supports that this missense variant has a deleterious effect on protein structure/function; This variant is associated with the following publications: (PMID: 32227660)